The following is an entry in ClinVar:

NM_001287.6(CLCN7):c.1162C>G (p.Leu388Val)

Gene: CLCN7 (chloride voltage-gated channel 7; minus strand). Cytogenetic location: 16p13.3.
Variant type: single nucleotide variant.
Coding change: c.1162C>G on transcript NM_001287.6 (MANE Select); coding-DNA position 1162, C replaced by G.
Protein change: p.Leu388Val; replaces leucine 388 with valine.
Molecular consequence: missense variant.
Genome position (GRCh38, 1-based): chr16:1,453,886, G>C on the plus strand (C>G on the coding strand, the complement: CLCN7 is on the minus strand). VCF-style: chr16-1453886-G-C. GRCh37 (hg19) VCF-style: chr16-1503887-G-C.
Other names: c.1090C>G, p.Leu364Val (NM_001114331.3); short protein forms L364V, L388V.
Identifiers: ClinVar variation 1505098 (VCV001505098.8), dbSNP rs2038792793, ClinGen allele CA394189439.

ClinVar aggregate classification (germline): Uncertain significance (1 of 4 stars; one submission).

Allele frequency attached by ClinVar (database versions not stated): TOPMed below 0.00001; gnomAD 0.00001; gnomAD exomes 0.00001.
gnomAD v4.1: 4 of 1,613,104 alleles (0.00025%); highest among the groups gnomAD compares: Non-Finnish European, 0.00034%; no homozygotes.

Submission:

Labcorp Genetics (formerly Invitae), Labcorp
Classification: Uncertain significance. Last evaluated: 2024-03-27. Review status: criteria provided, single submitter. Criteria: Invitae Variant Classification Sherloc (09022015). Collection method: clinical testing. Allele origin: germline.
Comment: This sequence change replaces leucine, which is neutral and non-polar, with valine, which is neutral and non-polar, at codon 388 of the CLCN7 protein (p.Leu388Val). This variant is not present in population databases (gnomAD no frequency). This variant has not been reported in the literature in individuals affected with CLCN7-related conditions. ClinVar contains an entry for this variant (Variation ID: 1505098). Advanced modeling of protein sequence and biophysical properties (such as structural, functional, and spatial information, amino acid conservation, physicochemical variation, residue mobility, and thermodynamic stability) performed at Invitae indicates that this missense variant is not expected to disrupt CLCN7 protein function with a negative predictive value of 95%. In summary, the available evidence is currently insufficient to determine the role of this variant in disease. Therefore, it has been classified as a Variant of Uncertain Significance.